The following is an entry in ClinVar:

NM_002128.7(HMGB1):c.466G>T (p.Glu156Ter)

Gene: HMGB1 (high mobility group box 1; minus strand). Cytogenetic location: 13q12.3.
Variant type: single nucleotide variant.
Coding change: c.466G>T on transcript NM_002128.7 (MANE Select); coding-DNA position 466, G replaced by T.
Protein change: p.Glu156Ter; replaces glutamic acid 156 with a stop codon.
Molecular consequence: nonsense.
Genome position (GRCh38, 1-based): chr13:30,462,543, C>A on the plus strand (G>T on the coding strand, the complement: HMGB1 is on the minus strand). VCF-style: chr13-30462543-C-A. GRCh37 (hg19) VCF-style: chr13-31036680-C-A.
Other names: c.466G>T, p.Glu156Ter (NM_001313892.2, NM_001313893.1, NM_001363661.2 and 3 more transcripts); short protein forms E156*.
Identifiers: ClinVar variation 3377228 (VCV003377228.1).
Genomic context (GRCh38, chr13:30,462,543, plus strand): 5'-ATCATACATCTGGCGTACTTGTCATCATTTTACCAAGCAAACCCACACTTCTTACCTTTT[C>A]ATATTTTTCCTTCAGCTTCGCAGCCTTCTTTTCATAAGGCTGCTTGTCATCTGCAGCAGT-3'

ClinVar aggregate classification (germline): Likely pathogenic (1 of 4 stars; one submission).

Conditions:
Neurodevelopmental disorder. Identifiers: MedGen C1535926, MeSH D065886, MONDO:0700092.

Submission:

Victorian Clinical Genetics Services, Murdoch Childrens Research Institute
Classification: Likely pathogenic for Neurodevelopmental disorder. Last evaluated: 2024-10-09. Review status: criteria provided, single submitter. Criteria: ACMG Guidelines, 2015. Collection method: clinical testing. Allele origin: germline. Inheritance: Autosomal dominant inheritance. Affected: yes.
Comment: Based on the classification scheme VCGS_Germline_v1.3.5, this variant is classified as Likely pathogenic. Following criteria are met: 0105 - The mechanism of disease for this gene is not clearly established. Loss of function has been suggested as a mechanism of disease in this gene and has been reported in individuals with neurodevelopmental disorder (MONDO:0700092), HMGB1-related. The mechanism for brachyphalangy, polydactyly, and tibial aplasia/hypoplasia (MONDO:0012374), HMGB1-related is unclear, however, it has been reported that individuals with protein extension variants have this condition (PMIDs: 34164801, 36755093). (I) 0107 - This gene is associated with autosomal dominant disease. (I) 0205 - Variant is predicted to result in a truncated protein (premature termination codon is NOT located at least 54 nucleotides upstream of the final exon-exon junction) with less than 1/3 of the protein sequence affected. (SP) 0251 - This variant is heterozygous. (I) 0301 - Variant is absent from gnomAD (v2, v3 and v4). (SP) 0600 - Variant is predicted to truncate part of the HMG box domain (DECIPHER). (I) 0710 - Another truncating variant comparable to the one identified in this case has inconclusive previous evidence for pathogenicity. A comparable downstream truncating variant, p.(Glu194Glyfs*3), has been classified as a VUS in a de novo individual by a clinical laboratory in ClinVar. (I) 0807 - This variant has no previous evidence of pathogenicity. (I) 0905 - No published segregation evidence has been identified for this variant. (I) 1007 - No published functional evidence has been identified for this variant. (SP) Legend: (SP) - Supporting pathogenic, (I) - Information, (SB) - Supporting benign

Literature cited by the submitters: PubMed 34164801; PubMed 36755093.